The following is an entry in ClinVar:

NM_003105.6(SORL1):c.2108C>T (p.Pro703Leu)

Gene: SORL1 (sortilin related receptor 1; plus strand). Cytogenetic location: 11q24.1.
Variant type: single nucleotide variant.
Coding change: c.2108C>T on transcript NM_003105.6 (MANE Select); coding-DNA position 2108, C replaced by T.
Protein change: p.Pro703Leu; replaces proline 703 with leucine.
Molecular consequence: missense variant.
Genome position (GRCh38, 1-based): chr11:121,550,016, C>T. VCF-style: chr11-121550016-C-T. GRCh37 (hg19) VCF-style: chr11-121420725-C-T.
Other names: short protein forms P703L.
Identifiers: ClinVar variation 2988656 (VCV002988656.3), dbSNP rs1486559802, ClinGen allele CA383032529.

ClinVar aggregate classification (germline): Uncertain significance (1 of 4 stars; one submission).

Allele frequency attached by ClinVar (database versions not stated): gnomAD exomes below 0.00001; TOPMed 0.00001; gnomAD 0.00002.
gnomAD v4.1: 10 of 1,613,558 alleles (0.00062%); highest among the groups gnomAD compares: African/African-American, 0.0027%; no homozygotes.

Submission:

Labcorp Genetics (formerly Invitae), Labcorp
Classification: Uncertain significance. Last evaluated: 2024-01-22. Review status: criteria provided, single submitter. Criteria: Invitae Variant Classification Sherloc (09022015). Collection method: clinical testing. Allele origin: germline.
Comment: This sequence change replaces proline, which is neutral and non-polar, with leucine, which is neutral and non-polar, at codon 703 of the SORL1 protein (p.Pro703Leu). This variant is present in population databases (no rsID available, gnomAD 0.004%). This variant has not been reported in the literature in individuals affected with SORL1-related conditions. An algorithm developed to predict the effect of missense changes on protein structure and function (PolyPhen-2) suggests that this variant is likely to be disruptive. Algorithms developed to predict the effect of sequence changes on RNA splicing suggest that this variant may disrupt the consensus splice site. In summary, the available evidence is currently insufficient to determine the role of this variant in disease. Therefore, it has been classified as a Variant of Uncertain Significance.